The following is an entry in ClinVar:

NM_000030.3(AGXT):c.622C>T (p.Gln208Ter)

Gene: AGXT (alanine--glyoxylate aminotransferase; plus strand). Cytogenetic location: 2q37.3.
Variant type: single nucleotide variant.
Coding change: c.622C>T on transcript NM_000030.3 (MANE Select); coding-DNA position 622, C replaced by T.
Protein change: p.Gln208Ter; replaces glutamine 208 with a stop codon.
Molecular consequence: nonsense.
Genome position (GRCh38, 1-based): chr2:240,874,004, C>T. VCF-style: chr2-240874004-C-T. GRCh37 (hg19) VCF-style: chr2-241813421-C-T.
Other names: short protein forms Q208*.
Identifiers: ClinVar variation 2681179 (VCV002681179.2), dbSNP rs750264224, ClinGen allele CA351316850.

ClinVar aggregate classification (germline): Pathogenic. Review status: criteria provided, multiple submitters, no conflicts (2 of 4 stars). 2 submissions from 2 submitters: Pathogenic (2). Last evaluated 2026-01-12.

Conditions:
Primary hyperoxaluria. Identifiers: Orphanet 416, MedGen C0020501, MONDO:0002474.
Primary hyperoxaluria, type I (HP1). Also called: OXALOSIS I; Primary hyperoxaluria type 1; GLYCOLIC ACIDURIA; HEPATIC AGT DEFICIENCY. Identifiers: Orphanet 416, Orphanet 93598, MedGen C0268164, MONDO:0009823, OMIM 259900. Disease mechanism: loss of function.

gnomAD v4.1: 1 of 1,613,626 alleles (0.000062%); highest among the groups gnomAD compares: African/African-American, 0.0013%; no homozygotes.

Submissions (2):

Women's Health and Genetics/Laboratory Corporation of America, LabCorp
Classification: Pathogenic for Primary hyperoxaluria. Last evaluated: 2026-01-12. Review status: criteria provided, single submitter. Criteria: LabCorp Variant Classification Summary - May 2015. Collection method: clinical testing. Allele origin: germline.
Comment: Variant summary: AGXT c.622C>T (p.Gln208X) results in a premature termination codon, predicted to cause a truncation of the encoded protein or absence of the protein due to nonsense mediated decay, which are commonly known mechanisms for disease. The variant was absent in 251178 control chromosomes. To our knowledge, no occurrence of c.622C>T in individuals affected with AGXT-related conditions and no experimental evidence demonstrating its impact on protein function have been reported. ClinVar contains an entry for this variant (Variation ID: 2681179). Based on the evidence outlined above, the variant was classified as pathogenic.

Clinical Biochemistry Laboratory, Health Services Laboratory
Classification: Pathogenic for Primary hyperoxaluria, type I. Last evaluated: 2023-10-27. Review status: criteria provided, single submitter. Criteria: ACMG Guidelines, 2015. Collection method: curation. Allele origin: germline.
Comment: ACMG:PVS1 PM2 PP3